The following is an entry in ClinVar:

NM_000384.3(APOB):c.3794A>T (p.Asn1265Ile)

Gene: APOB (apolipoprotein B; minus strand). Cytogenetic location: 2p24.1.
Variant type: single nucleotide variant.
Coding change: c.3794A>T on transcript NM_000384.3 (MANE Select); coding-DNA position 3794, A replaced by T.
Protein change: p.Asn1265Ile; replaces asparagine 1265 with isoleucine.
Molecular consequence: missense variant.
Genome position (GRCh38, 1-based): chr2:21,014,496, T>A on the plus strand (A>T on the coding strand, the complement: APOB is on the minus strand). VCF-style: chr2-21014496-T-A. GRCh37 (hg19) VCF-style: chr2-21237368-T-A.
Other names: short protein forms N1265I.
Identifiers: ClinVar variation 3231408 (VCV003231408.1), dbSNP rs1663415893, ClinGen allele CA346008278.

ClinVar aggregate classification (germline): Uncertain significance (1 of 4 stars; one submission).

Conditions:
Cardiovascular phenotype. Identifiers: MedGen CN230736.

Allele frequency attached by ClinVar (database versions not stated): gnomAD 0.00001; TOPMed 0.00001.
gnomAD v4.1: 1 of 1,614,048 alleles (0.000062%); highest among the groups gnomAD compares: African/African-American, 0.0013%; no homozygotes.

Submission:

Ambry Genetics
Classification: Uncertain significance for Cardiovascular phenotype. Last evaluated: 2023-10-19. Review status: criteria provided, single submitter. Criteria: Ambry Variant Classification Scheme 2023. Collection method: clinical testing. Allele origin: germline.
Comment: The p.N1265I variant (also known as c.3794A>T), located in coding exon 24 of the APOB gene, results from an A to T substitution at nucleotide position 3794. The asparagine at codon 1265 is replaced by isoleucine, an amino acid with dissimilar properties. This amino acid position is conserved. In addition, this alteration is predicted to be tolerated by in silico analysis. Since supporting evidence is limited at this time, the clinical significance of this alteration remains unclear.